The following is an entry in ClinVar:

ClinVar aggregate classification (germline): Likely benign (1 of 4 stars; one submission).

Allele frequency attached by ClinVar (database versions not stated): TOPMed below 0.00001.

Submission:

CeGaT Center for Human Genetics Tuebingen
Classification: Likely benign. Last evaluated: 2024-05-01. Review status: criteria provided, single submitter. Criteria: CeGaT Center For Human Genetics Tuebingen Variant Classification Criteria Version 2. Collection method: clinical testing. Allele origin: germline. Affected: yes. Observed: 1 variant allele.
Comment: KMT2C: BP4

NM_170606.3(KMT2C):c.2370C>T (p.Asp790=)

Gene: KMT2C (lysine methyltransferase 2C; minus strand). Cytogenetic location: 7q36.1.
Variant type: single nucleotide variant.
Coding change: c.2370C>T on transcript NM_170606.3 (MANE Select); coding-DNA position 2370, C replaced by T.
Protein change: p.Asp790=; no amino-acid change (aspartic acid 790 retained).
Molecular consequence: synonymous variant.
Genome position (GRCh38, 1-based): chr7:152,248,064, G>A on the plus strand (C>T on the coding strand, the complement: KMT2C is on the minus strand). VCF-style: chr7-152248064-G-A. GRCh37 (hg19) VCF-style: chr7-151945149-G-A.
Identifiers: ClinVar variation 3239300 (VCV003239300.19), dbSNP rs1402908494.